The following is an entry in ClinVar:

ClinVar aggregate classification (germline): Pathogenic/Likely pathogenic. Review status: criteria provided, multiple submitters, no conflicts (2 of 4 stars). 5 submissions from 5 submitters: Pathogenic (2); Likely pathogenic (3). Last evaluated 2025-04-22.

Conditions:
Dihydropyrimidinase deficiency (DPYSD). Also called: dihydropyrimidinuria; DPH DEFICIENCY; DPYS DEFICIENCY. Identifiers: Orphanet 38874, MedGen C0342803, MONDO:0009111, OMIM 222748.

Allele frequency attached by ClinVar (database versions not stated): gnomAD exomes 0.00004 and 0.00015; ESP Exome Variant Server 0.00008; gnomAD 0.00010 and 0.00013; TOPMed 0.00010; ExAC 0.00013; 1000 Genomes Project 30x 0.00016; 1000 Genomes Project 0.00020.
gnomAD v4.1: 78 of 1,614,062 alleles (0.0048%); highest among the groups gnomAD compares: East Asian, 0.1%; no homozygotes.

Submissions (5):

GeneDx
Classification: Likely pathogenic. Last evaluated: 2025-04-22. Review status: criteria provided, single submitter. Criteria: GeneDx Variant Classification Process June 2021. Collection method: clinical testing. Allele origin: germline. Affected: yes.
Comment: Published functional studies demonstrate a damaging effect on enzyme activity (PMID: 20362666, 28642038); In silico analysis supports that this missense variant has a deleterious effect on protein structure/function; This variant is associated with the following publications: (PMID: 9718352, 29054612, 28642038, 32472544, 32707991, 34426522, 36414408, 20362666)

Labcorp Genetics (formerly Invitae), Labcorp
Classification: Pathogenic. Last evaluated: 2024-08-20. Review status: criteria provided, single submitter. Criteria: Invitae Variant Classification Sherloc (09022015). Collection method: clinical testing. Allele origin: germline.
Comment: This sequence change replaces arginine, which is basic and polar, with cysteine, which is neutral and slightly polar, at codon 490 of the DPYS protein (p.Arg490Cys). This variant is present in population databases (rs142574766, gnomAD 0.2%). This missense change has been observed in individual(s) with dihydropyrimidinuria (PMID: 20362666, 29054612). ClinVar contains an entry for this variant (Variation ID: 1029334). An algorithm developed to predict the effect of missense changes on protein structure and function (PolyPhen-2) suggests that this variant is likely to be disruptive. Experimental studies have shown that this missense change affects DPYS function (PMID: 20362666, 28642038). This variant disrupts the p.Arg490 amino acid residue in DPYS. Other variant(s) that disrupt this residue have been determined to be pathogenic (PMID: 29054612, 30384990). This suggests that this residue is clinically significant, and that variants that disrupt this residue are likely to be disease-causing. For these reasons, this variant has been classified as Pathogenic.

Genomic Medicine Center of Excellence, King Faisal Specialist Hospital and Research Centre
Classification: Likely pathogenic for Dihydropyrimidinase deficiency. Last evaluated: 2024-03-25. Review status: criteria provided, single submitter. Criteria: ACMG Guidelines, 2015. Collection method: clinical testing. Allele origin: germline.

Baylor Genetics
Classification: Pathogenic for Dihydropyrimidinase deficiency. Last evaluated: 2019-12-16. Review status: criteria provided, single submitter. Criteria: ACMG Guidelines, 2015. Collection method: clinical testing. Allele origin: unknown. Affected: yes.
Comment: This variant was determined to be pathogenic according to ACMG Guidelines, 2015 [PMID:25741868].

Juno Genomics, Hangzhou Juno Genomics, Inc
Classification: Likely pathogenic for Dihydropyrimidinase deficiency. Review status: criteria provided, single submitter. Criteria: ACMG Guidelines, 2015. Collection method: clinical testing. Allele origin: germline.
Comment: For recessive disorders, detected in trans with a pathogenic variant.;Well-established in vitro or in vivo functional studies supportive of a damaging effect on the gene or gene product.

Literature cited by the submitters: PubMed 20362666 (cited by Labcorp Genetics (formerly Invitae), Labcorp); PubMed 29054612 (cited by Labcorp Genetics (formerly Invitae), Labcorp); PubMed 28642038 (cited by Labcorp Genetics (formerly Invitae), Labcorp); PubMed 30384990 (cited by Labcorp Genetics (formerly Invitae), Labcorp).

NM_001385.3(DPYS):c.1468C>T (p.Arg490Cys)

Gene: DPYS (dihydropyrimidinase; minus strand). Cytogenetic location: 8q22.3.
Variant type: single nucleotide variant.
Coding change: c.1468C>T on transcript NM_001385.3 (MANE Select); coding-DNA position 1468, C replaced by T.
Protein change: p.Arg490Cys; replaces arginine 490 with cysteine.
Molecular consequence: missense variant.
Genome position (GRCh38, 1-based): chr8:104,381,290, G>A on the plus strand (C>T on the coding strand, the complement: DPYS is on the minus strand). VCF-style: chr8-104381290-G-A. GRCh37 (hg19) VCF-style: chr8-105393518-G-A.
Other names: short protein forms R490C.
Identifiers: ClinVar variation 1029334 (VCV001029334.10), dbSNP rs142574766, ClinGen allele CA4838268.